The following is an entry in ClinVar:

ClinVar aggregate classification (germline): Uncertain significance (1 of 4 stars; one submission).

Submission:

GeneDx
Classification: Uncertain significance. Last evaluated: 2017-07-27. Review status: criteria provided, single submitter. Criteria: GeneDx Variant Classification (06012015). Collection method: clinical testing. Allele origin: germline. Affected: yes.
Comment: The P84L variant in the PIK3R1 gene has not been reported previously as a pathogenic variant, nor as a benign variant, to our knowledge. The P84L variant is not observed in large population cohorts (Lek et al., 2016; 1000 Genomes Consortium et al., 2015; Exome Variant Server). The P84L variant is a semi-conservative amino acid substitution, which may impact secondary protein structure as these residues differ in some properties. This substitution occurs at a position that is conserved across species. In silico analysis is inconsistent in its predictions as to whether or not the variant is damaging to the protein structure/function. We interpret P84L as a variant of uncertain significance.

NM_181523.3(PIK3R1):c.251C>T (p.Pro84Leu)

Gene: PIK3R1 (phosphoinositide-3-kinase regulatory subunit 1; plus strand). Cytogenetic location: 5q13.1.
Variant type: single nucleotide variant.
Coding change: c.251C>T on transcript NM_181523.3 (MANE Select); coding-DNA position 251, C replaced by T.
Protein change: p.Pro84Leu; replaces proline 84 with leucine.
Molecular consequence: missense variant.
Genome position (GRCh38, 1-based): chr5:68,226,926, C>T. VCF-style: chr5-68226926-C-T. GRCh37 (hg19) VCF-style: chr5-67522754-C-T.
Other names: short protein forms P84L.
Identifiers: ClinVar variation 450796 (VCV000450796.2), dbSNP rs772928652, ClinGen allele CA359979908.